The following is an entry in ClinVar:

NM_001365951.3(KIF1B):c.4546G>A (p.Glu1516Lys)

Gene: KIF1B (kinesin family member 1B; plus strand). Cytogenetic location: 1p36.22.
Variant type: single nucleotide variant.
Coding change: c.4546G>A on transcript NM_001365951.3 (MANE Select); coding-DNA position 4546, G replaced by A.
Protein change: p.Glu1516Lys; replaces glutamic acid 1516 with lysine.
Molecular consequence: missense variant.
Genome position (GRCh38, 1-based): chr1:10,365,442, G>A. VCF-style: chr1-10365442-G-A. GRCh37 (hg19) VCF-style: chr1-10425500-G-A.
Other names: c.4546G>A, p.Glu1516Lys (NM_001365952.1); c.4408G>A, p.Glu1470Lys (NM_015074.3); short protein forms E1470K, E1516K.
Identifiers: ClinVar variation 4543652 (VCV004543652.1).

ClinVar aggregate classification (germline): Uncertain significance (1 of 4 stars; one submission).

Submission:

Ambry Genetics
Classification: Uncertain significance. Last evaluated: 2025-10-25. Review status: criteria provided, single submitter. Criteria: Ambry Variant Classification Scheme 2023. Collection method: clinical testing. Allele origin: germline.
Comment: The p.E1470K variant (also known as c.4408G>A), located in coding exon 40 of the KIF1B gene, results from a G to A substitution at nucleotide position 4408. The glutamic acid at codon 1470 is replaced by lysine, an amino acid with similar properties. This amino acid position is conserved. In addition, the in silico prediction for this alteration is inconclusive. Based on the available evidence, the clinical significance of this variant remains unclear.